The following is an entry in ClinVar:

ClinVar aggregate classification (germline): Uncertain significance (1 of 4 stars; one submission).

Conditions:
Inborn genetic diseases. Identifiers: MedGen C0950123, MeSH D030342.

Submission:

Ambry Genetics
Classification: Uncertain significance for Inborn genetic diseases. Last evaluated: 2021-02-04. Review status: criteria provided, single submitter. Criteria: Ambry Variant Classification Scheme 2023. Collection method: clinical testing. Allele origin: germline.
Comment: The c.537A>C (p.L179F) alteration is located in exon 3 (coding exon 1) of the FANCB gene. This alteration results from an A to C substitution at nucleotide position 537, causing the leucine (L) at amino acid position 179 to be replaced by a phenylalanine (F). The p.L179F alteration is predicted to be tolerated by in silico analysis. Based on insufficient or conflicting evidence, the clinical significance of this alteration remains unclear.

NM_001018113.3(FANCB):c.537A>C (p.Leu179Phe)

Gene: FANCB (FA complementation group B; minus strand). Cytogenetic location: Xp22.2.
Variant type: single nucleotide variant.
Coding change: c.537A>C on transcript NM_001018113.3 (MANE Select); coding-DNA position 537, A replaced by C.
Protein change: p.Leu179Phe; replaces leucine 179 with phenylalanine.
Molecular consequence: missense variant.
Genome position (GRCh38, 1-based): chrX:14,864,974, T>G on the plus strand (A>C on the coding strand, the complement: FANCB is on the minus strand). VCF-style: chrX-14864974-T-G. GRCh37 (hg19) VCF-style: chrX-14883096-T-G.
Other names: c.537A>C, p.Leu179Phe (NM_001324162.2, NM_001410764.1, NM_152633.4); short protein forms L179F.
Identifiers: ClinVar variation 2229289 (VCV002229289.2), dbSNP rs2519011199, ClinGen allele CA412444283.